The following is an entry in ClinVar:

NM_005085.4(NUP214):c.3575-3C>A

Gene: NUP214 (nucleoporin 214; plus strand). Cytogenetic location: 9q34.13.
Variant type: single nucleotide variant.
Coding change: c.3575-3C>A on transcript NM_005085.4 (MANE Select); 3 bases into the intron before coding-DNA position 3575, C replaced by A.
Molecular consequence: intron variant.
Genome position (GRCh38, 1-based): chr9:131,192,205, C>A. VCF-style: chr9-131192205-C-A. GRCh37 (hg19) VCF-style: chr9-134067592-C-A.
Other names: c.3545-3C>A (NM_001318324.2); c.53-3C>A (NM_001318325.2).
Identifiers: ClinVar variation 3036512 (VCV003036512.2), dbSNP rs1456653099, ClinGen allele CA467413304.
Genomic context (GRCh38, chr9:131,192,205, plus strand): 5'-GTGTTTCTGTCTTTTTGTAATATTCTTTTTTTTTTTTTTTTTTTTTTTTTTCCATAATTT[C>A]AGGGACAGCCAAGATAGAAACAGCTGTGACTTCAACCCCATCTGCTTCTGGGCAGTTCAG-3'

ClinVar aggregate classification (germline): Likely benign (0 of 4 stars; one submission).

Conditions:
NUP214-related disorder. Also called: NUP214-related condition; NUP214-related disorders.

Submission:

PreventionGenetics, part of Exact Sciences
Classification: Likely benign for NUP214-related condition. Last evaluated: 2021-10-12. Review status: no assertion criteria provided. Collection method: clinical testing. Allele origin: germline.
Comment: This variant is classified as likely benign based on ACMG/AMP sequence variant interpretation guidelines (Richards et al. 2015 PMID: 25741868, with internal and published modifications).